The following is an entry in ClinVar:

ClinVar aggregate classification (germline): Uncertain significance (1 of 4 stars; one submission).

Conditions:
Hereditary cancer-predisposing syndrome. Also called: Neoplastic Syndromes, Hereditary; Tumor predisposition; Hereditary neoplastic syndrome; Hereditary Cancer Syndrome. Identifiers: Orphanet 140162, MedGen C0027672, MeSH D009386, MONDO:0015356.

Submission:

Ambry Genetics
Classification: Uncertain significance for Hereditary cancer-predisposing syndrome. Last evaluated: 2023-11-17. Review status: criteria provided, single submitter. Criteria: Ambry Variant Classification Scheme 2023. Collection method: clinical testing. Allele origin: germline.
Comment: The p.A881S variant (also known as c.2641G>T), located in coding exon 17 of the ATM gene, results from a G to T substitution at nucleotide position 2641. The alanine at codon 881 is replaced by serine, an amino acid with similar properties. This amino acid position is conserved. In addition, the in silico prediction for this alteration is inconclusive. Since supporting evidence is limited at this time, the clinical significance of this alteration remains unclear.

NM_000051.4(ATM):c.2641G>T (p.Ala881Ser)

Gene: ATM (ATM serine/threonine kinase; plus strand). Cytogenetic location: 11q22.3.
Variant type: single nucleotide variant.
Coding change: c.2641G>T on transcript NM_000051.4 (MANE Select); coding-DNA position 2641, G replaced by T.
Protein change: p.Ala881Ser; replaces alanine 881 with serine.
Molecular consequence: missense variant.
Genome position (GRCh38, 1-based): chr11:108,268,412, G>T. VCF-style: chr11-108268412-G-T. GRCh37 (hg19) VCF-style: chr11-108139139-G-T.
Other names: c.2641G>T, p.Ala881Ser (NM_001351834.2); short protein forms A881S.
Identifiers: ClinVar variation 3232606 (VCV003232606.1), dbSNP rs2135522937, ClinGen allele CA382544978.
Genomic context (GRCh38, chr11:108,268,412, plus strand): 5'-GACTATATATGGCTGTTGTGCCCTTCTCTTAGTGTTAATGAGTGCTTTTTATTTTTAGGT[G>T]CCATTAATCCTTTAGCTGAAGAATATCTGTCAAAGCAAGATCTACTTTTCTTAGACATGC-3'
Protein context (NP_000042.3, residues 871-891): EPGESQSTIG[Ala881Ser]INPLAEEYLS